The following is an entry in ClinVar:

ClinVar aggregate classification (germline): Uncertain significance (1 of 4 stars; one submission).

Conditions:
Arrhythmogenic right ventricular cardiomyopathy (ARVD). Also called: Arrhythmogenic right ventricular dysplasia; Cardiomyopathy, ARVC; Arrhythmogenic cardiomyopathy; Arrhythmogenic Right Ventricular Cardiomyopathy (ARVC). Identifiers: Orphanet 247, MedGen C0349788, MeSH D019571, MONDO:0016587. Disease mechanism: loss of function. Inheritance: Various modes of inheritance.

Submission:

All of Us Research Program, National Institutes of Health
Classification: Uncertain significance for Arrhythmogenic right ventricular cardiomyopathy. Last evaluated: 2024-09-23. Review status: criteria provided, single submitter. Criteria: ACMG Guidelines, 2015. Collection method: clinical testing. Allele origin: germline. Inheritance: Autosomal dominant inheritance. Observed: 3 variant alleles, 3 heterozygotes.
Comment: This study involves interpretation of variants in research participants for the purpose of population health screening. Participant phenotype was not available at the time of variant classification. Additional details can be found in publication PMID: 35346344, PMCID: PMC8962531

NM_001943.5(DSG2):c.1603G>A (p.Asp535Asn)

Gene: DSG2 (desmoglein 2; plus strand). Cytogenetic location: 18q12.1.
Variant type: single nucleotide variant.
Coding change: c.1603G>A on transcript NM_001943.5 (MANE Select); coding-DNA position 1603, G replaced by A.
Protein change: p.Asp535Asn; replaces aspartic acid 535 with asparagine.
Molecular consequence: missense variant.
Genome position (GRCh38, 1-based): chr18:31,536,381, G>A. VCF-style: chr18-31536381-G-A. GRCh37 (hg19) VCF-style: chr18-29116344-G-A.
Other names: short protein forms D535N.
Identifiers: ClinVar variation 3070001 (VCV003070001.2), dbSNP rs2510917965, ClinGen allele CA402142008.